The following is an entry in ClinVar:

ClinVar aggregate classification (germline): Pathogenic (1 of 4 stars; one submission).

Submission:

Labcorp Genetics (formerly Invitae), Labcorp
Classification: Pathogenic. Last evaluated: 2022-07-15. Review status: criteria provided, single submitter. Criteria: Invitae Variant Classification Sherloc (09022015). Collection method: clinical testing. Allele origin: germline.
Comment: This sequence change creates a premature translational stop signal (p.Ala694Glufs*2) in the ABCA4 gene. It is expected to result in an absent or disrupted protein product. Loss-of-function variants in ABCA4 are known to be pathogenic (PMID: 10958761, 24938718, 25312043, 26780318). This variant is not present in population databases (gnomAD no frequency). This premature translational stop signal has been observed in individual(s) with Stargardt disease (Invitae). For these reasons, this variant has been classified as Pathogenic.

Literature cited by the submitters: PubMed 10958761; PubMed 24938718; PubMed 25312043; PubMed 26780318.

NM_000350.3(ABCA4):c.2081del (p.Ala694fs)

Gene: ABCA4 (ATP binding cassette subfamily A member 4; minus strand). Cytogenetic location: 1p22.1.
Variant type: Deletion.
Coding change: c.2081del on transcript NM_000350.3 (MANE Select); coding-DNA position 2081, one base deleted (C; older notation c.2081delC).
Protein change: p.Ala694fs; shifts the reading frame from alanine 694.
Molecular consequence: frameshift variant.
Genome position (GRCh38, 1-based): chr1:94,060,616, G deleted on the plus strand (C on the coding strand, the reverse complement: ABCA4 is on the minus strand). VCF-style (leftmost placement, unchanged base first): chr1-94060615-TG-T. GRCh37 (hg19) VCF-style: chr1-94526171-TG-T.
Other names: c.2081delC, p.Ala694Glufs (NM_001425324.1); short protein forms A694fs.
Identifiers: ClinVar variation 2017287 (VCV002017287.4), dbSNP rs2523832548, ClinGen allele CA2580063338.